The following is an entry in ClinVar:

ClinVar aggregate classification (germline): Uncertain significance (1 of 4 stars; one submission).

Submission:

Labcorp Genetics (formerly Invitae), Labcorp
Classification: Uncertain significance. Last evaluated: 2024-05-13. Review status: criteria provided, single submitter. Criteria: Invitae Variant Classification Sherloc (09022015). Collection method: clinical testing. Allele origin: germline.
Comment: This sequence change falls in intron 12 of the LZTR1 gene. It does not directly change the encoded amino acid sequence of the LZTR1 protein. It affects a nucleotide within the consensus splice site. This variant is not present in population databases (gnomAD no frequency). This variant has not been reported in the literature in individuals affected with LZTR1-related conditions. Variants that disrupt the consensus splice site are a relatively common cause of aberrant splicing (PMID: 17576681, 9536098). Algorithms developed to predict the effect of sequence changes on RNA splicing suggest that this variant may disrupt the consensus splice site. In summary, the available evidence is currently insufficient to determine the role of this variant in disease. Therefore, it has been classified as a Variant of Uncertain Significance.

Literature cited by the submitters: PubMed 17576681; PubMed 9536098.

NM_006767.4(LZTR1):c.1353+5del

Gene: LZTR1 (leucine zipper like post translational regulator 1; plus strand). Cytogenetic location: 22q11.21.
Variant type: Deletion.
Coding change: c.1353+5del on transcript NM_006767.4 (MANE Select); 5 bases into the intron after coding-DNA position 1353, one base deleted (G; older notation c.1353+5delG).
Molecular consequence: intron variant.
Genome position (GRCh38, 1-based): chr22:20,993,759, G deleted; the last of 3 consecutive G bases (chr22:20,993,757-20,993,759); deleting any one gives the same sequence. VCF-style (leftmost placement, unchanged base first): chr22-20993756-TG-T. GRCh37 (hg19) VCF-style: chr22-21348045-TG-T.
Identifiers: ClinVar variation 3653178 (VCV003653178.2).
Genomic context (GRCh38, chr22:20,993,756, plus strand): 5'-ACTACGGGCGGCTGTGGGAGAGCCGCCAGTTCTGCGACGTGGAGTTCGTGCTGGGTGAGG[TG>T]GGTGCCTGTCCTCGCACCCTGCTCTGCCTGCTGTGCCTGGGCAGTGGGAATTTCGCCCCT-3'